The following is an entry in ClinVar:

ClinVar aggregate classification (germline): Conflicting classifications of pathogenicity. Review status: criteria provided, conflicting classifications (1 of 4 stars). 4 submissions from 4 submitters: Uncertain significance (2); Likely benign (2). Last evaluated 2026-03-17.

Conditions:
FUS-related disorder. Also called: FUS-related condition.
Inborn genetic diseases. Identifiers: MedGen C0950123, MeSH D030342.
Amyotrophic lateral sclerosis type 6. Also called: FUS-Related Amyotrophic Laterial Sclerosis; AMYOTROPHIC LATERAL SCLEROSIS 6 WITHOUT FRONTOTEMPORAL DEMENTIA; Amyotrophic lateral sclerosis 6, with or without frontotemporal dementia. Identifiers: Orphanet 275872, Orphanet 803, MedGen C2931786, MONDO:0011951, OMIM 608030.
Tremor, hereditary essential, 4 (ETM4). Identifiers: MedGen C3539195, MONDO:0013888, OMIM 614782.

Submissions (4):

PreventionGenetics, part of Exact Sciences
Classification: Uncertain significance for FUS-related condition. Last evaluated: 2026-03-17. Review status: criteria provided, single submitter. Criteria: ACMG Guidelines, 2015. Collection method: clinical testing. Allele origin: germline.
Comment: The FUS c.678_686dup9 variant is predicted to result in an in-frame duplication (p.Gly229_Gly231dup). This variant has been reported in an individual with very early-onset behavioral variant frontotemporal dementia inherited from asymptomatic father (Aguzzoli et al. 2022. PubMed ID: 36228146). This variant is reported in 0.014% of alleles in individuals of African descent in gnomAD. At this time, the clinical significance of this variant is uncertain due to the absence of conclusive functional and genetic evidence.

Labcorp Genetics (formerly Invitae), Labcorp
Classification: Uncertain significance for Tremor, hereditary essential, 4; Amyotrophic lateral sclerosis type 6. Last evaluated: 2024-12-20. Review status: criteria provided, single submitter. Criteria: Invitae Variant Classification Sherloc (09022015). Collection method: clinical testing. Allele origin: germline.
Comment: This variant, c.678_686dup, results in the insertion of 3 amino acid(s) of the FUS protein (p.Gly229_Gly231dup), but otherwise preserves the integrity of the reading frame. This variant is present in population databases (no rsID available, gnomAD 0.01%). This variant has been observed in individual(s) with frontotemporal dementia (PMID: 36228146). ClinVar contains an entry for this variant (Variation ID: 1415706). Experimental studies and prediction algorithms are not available or were not evaluated, and the functional significance of this variant is currently unknown. In summary, the available evidence is currently insufficient to determine the role of this variant in disease. Therefore, it has been classified as a Variant of Uncertain Significance.

Ambry Genetics
Classification: Likely benign for Inborn genetic diseases. Last evaluated: 2019-10-01. Review status: criteria provided, single submitter. Criteria: Ambry Variant Classification Scheme 2023. Collection method: clinical testing. Allele origin: germline.

GeneDx
Classification: Likely benign. Last evaluated: 2019-04-24. Review status: criteria provided, single submitter. Criteria: GeneDx Variant Classification Process June 2021. Collection method: clinical testing. Allele origin: germline. Affected: yes.
Comment: See Variant Classification Assertion Criteria.

Literature cited by the submitters: PubMed 36228146 (cited by Labcorp Genetics (formerly Invitae), Labcorp).

NM_004960.4(FUS):c.669CGG[9] (p.Gly229_Gly231dup)

Gene: FUS (FUS DNA/RNA binding protein; plus strand). Cytogenetic location: 16p11.2.
Variant type: Microsatellite.
Coding change: c.669CGG[9] on transcript NM_004960.4 (MANE Select); nine copies in a row of the 3-base unit CGG starting at c.669; the reference has six copies in a row; three copies, 9 bases duplicated.
Protein change: p.Gly229_Gly231dup.
Molecular consequence: inframe insertion. On other transcripts: non-coding transcript variant (1).
Genome position (GRCh38, 1-based): chr16:31,185,093-31,185,101, CGGCGGCGG duplicated; duplicating any 9 consecutive bases within chr16:31,185,082-31,185,101 gives the same sequence; the position shown is the placement nearest the transcript's 3' end. VCF-style (leftmost placement, unchanged base first): chr16-31185081-T-TGGCGGCGGC. GRCh37 (hg19) VCF-style: chr16-31196402-T-TGGCGGCGGC.
Other names: c.678_686dupCGGCGGCGG (NM_004960.3); c.666CGG[9], p.Gly228_Gly230dup (NM_001170634.1); c.657CGG[9], p.Gly225_Gly227dup (NM_001170937.1).
Identifiers: ClinVar variation 1415706 (VCV001415706.10), dbSNP rs72550890, ClinGen allele CA622172608.